The following is an entry in ClinVar:

NM_016169.4(SUFU):c.1345G>T (p.Asp449Tyr)

Gene: SUFU (SUFU negative regulator of hedgehog signaling; plus strand). Cytogenetic location: 10q24.32.
Variant type: single nucleotide variant.
Coding change: c.1345G>T on transcript NM_016169.4 (MANE Select); coding-DNA position 1345, G replaced by T.
Protein change: p.Asp449Tyr; replaces aspartic acid 449 with tyrosine.
Molecular consequence: missense variant.
Genome position (GRCh38, 1-based): chr10:102,627,223, G>T. VCF-style: chr10-102627223-G-T. GRCh37 (hg19) VCF-style: chr10-104386980-G-T.
Other names: short protein forms D449Y.
Identifiers: ClinVar variation 3226869 (VCV003226869.1), dbSNP rs2492837139, ClinGen allele CA377918828.

ClinVar aggregate classification (germline): Uncertain significance (1 of 4 stars; one submission).

Conditions:
Hereditary cancer-predisposing syndrome. Also called: Neoplastic Syndromes, Hereditary; Tumor predisposition; Hereditary neoplastic syndrome; Hereditary Cancer Syndrome. Identifiers: Orphanet 140162, MedGen C0027672, MeSH D009386, MONDO:0015356.

Submission:

Ambry Genetics
Classification: Uncertain significance for Hereditary cancer-predisposing syndrome. Last evaluated: 2023-12-05. Review status: criteria provided, single submitter. Criteria: Ambry Variant Classification Scheme 2023. Collection method: clinical testing. Allele origin: germline.
Comment: The p.D449Y variant (also known as c.1345G>T), located in coding exon 11 of the SUFU gene, results from a G to T substitution at nucleotide position 1345. The aspartic acid at codon 449 is replaced by tyrosine, an amino acid with highly dissimilar properties. This amino acid position is conserved. In addition, this alteration is predicted to be tolerated by in silico analysis. Since supporting evidence is limited at this time, the clinical significance of this alteration remains unclear.